The following is an entry in ClinVar:

NM_022719.3(ESS2):c.198G>A (p.Lys66=)

Gene: ESS2 (ess-2 spliceosome associated protein; minus strand). Cytogenetic location: 22q11.21.
Variant type: single nucleotide variant.
Coding change: c.198G>A on transcript NM_022719.3 (MANE Select); coding-DNA position 198, G replaced by A.
Protein change: p.Lys66=; no amino-acid change (lysine 66 retained).
Molecular consequence: synonymous variant. On other transcripts: non-coding transcript variant (1).
Genome position (GRCh38, 1-based): chr22:19,142,832, C>T on the plus strand (G>A on the coding strand, the complement: ESS2 is on the minus strand). VCF-style: chr22-19142832-C-T. GRCh37 (hg19) VCF-style: chr22-19130345-C-T.
Identifiers: ClinVar variation 725536 (VCV000725536.8), dbSNP rs190223316, ClinGen allele CA10097020.

ClinVar aggregate classification (germline): Benign/Likely benign. Review status: criteria provided, multiple submitters, no conflicts (2 of 4 stars). 2 submissions from 2 submitters: Benign (1); Likely benign (1). Last evaluated 2026-03-01.

Allele frequency attached by ClinVar (database versions not stated): gnomAD 0.00004 and 0.00005; TOPMed 0.00010; ExAC 0.00024; gnomAD exomes 0.00028; 1000 Genomes Project 0.00040; 1000 Genomes Project 30x 0.00062.
gnomAD v4.1: 89 of 1,614,046 alleles (0.0055%); highest among the groups gnomAD compares: Admixed American, 0.14%; no homozygotes.

Submissions (2):

CeGaT Center for Human Genetics Tuebingen
Classification: Likely benign. Last evaluated: 2026-03-01. Review status: criteria provided, single submitter. Criteria: CeGaT Center For Human Genetics Tuebingen Variant Classification Criteria Version 2. Collection method: clinical testing. Allele origin: germline. Affected: yes. Observed: 1 variant allele.
Comment: ESS2: BP4, BP7

Labcorp Genetics (formerly Invitae), Labcorp
Classification: Benign. Last evaluated: 2019-12-31. Review status: criteria provided, single submitter. Criteria: Invitae Variant Classification Sherloc (09022015). Collection method: clinical testing. Allele origin: germline.